The following is an entry in ClinVar:

NM_007294.4(BRCA1):c.441+1734G>A

Gene: BRCA1 (BRCA1 DNA repair associated; minus strand). Cytogenetic location: 17q21.31.
Variant type: single nucleotide variant.
Coding change: c.441+1734G>A on transcript NM_007294.4 (MANE Select); 1734 bases into the intron after coding-DNA position 441, G replaced by A.
Molecular consequence: intron variant.
Genome position (GRCh38, 1-based): chr17:43,102,388, C>T on the plus strand (G>A on the coding strand, the complement: BRCA1 is on the minus strand). VCF-style: chr17-43102388-C-T. GRCh37 (hg19) VCF-style: chr17-41254405-C-T.
Other names: c.300+1734G>A (NM_001408458.1, NM_001407931.1, NM_001407747.1 and 99 more transcripts); c.-218-7528G>A (NM_001407967.1, NM_001407966.1); c.60+1734G>A (NM_001407959.1, NM_001407962.1, NM_001408512.1 and 4 more transcripts); c.231+1734G>A (NM_001407885.1, NM_001407886.1, NM_001407898.1 and 58 more transcripts); c.441+1734G>A (NM_001407686.1, NM_001408397.1, NM_001407632.1 and 164 more transcripts); c.309+1734G>A (NM_001408451.1); c.363+1734G>A (NM_001408475.1, NM_001407875.1, NM_001407659.1 and 21 more transcripts); c.432+1734G>A (NM_001408408.1, NM_001407647.1, NM_001407646.1).
Identifiers: ClinVar variation 264778 (VCV000264778.2), dbSNP rs10445303, ClinGen allele CA10588235.
Genomic context (GRCh38, chr17:43,102,388, plus strand): 5'-CCCAAAGTGCTGGGATTACAGGCGTGAAGCTTTTTTTTTTTTTTTTTTGAGACGGAGTCT[C>T]GCTCTGTCGCCAGGCTGGAGTGCAGTGGCGCAATCTCGGCTCACTGCAACCTCCGACTCT-3'

ClinVar aggregate classification (germline): Benign (3 of 4 stars; one submission).

Conditions:
Breast-ovarian cancer, familial, susceptibility to, 1 (BROVCA1). Also called: BRCA1 Hereditary Breast and Ovarian Cancer; OVARIAN CANCER, SUSCEPTIBILITY TO. Identifiers: Orphanet 145, MedGen C2676676, MONDO:0011450, OMIM 604370. Disease mechanism: loss of function.

Allele frequency attached by ClinVar (database versions not stated): gnomAD 0.27945 and 0.29078; 1000 Genomes Project 30x 0.34432; 1000 Genomes Project 0.35343.
gnomAD v4.1: 36,063 of 124,088 alleles (29%); highest among the groups gnomAD compares: South Asian, 44%; 5,349 homozygotes.

Submission:

Evidence-based Network for the Interpretation of Germline Mutant Alleles (ENIGMA)
Classification: Benign for Breast-ovarian cancer, familial, susceptibility to, 1. Last evaluated: 2016-09-28. Review status: reviewed by expert panel. Criteria: ENIGMA BRCA1/2 Classification Criteria (2015). Collection method: curation. Allele origin: germline.
Comment: Class 1 not pathogenic based on frequency >1% in an outbred sampleset. Frequency 0.3588 (European), 0.2179 (African), 0.3746 (Admixed American/Latino), 0.371 (East Asian), 0.498 (South Asian), derived from 1000 genomes (2013-05-02).